The following is an entry in ClinVar:

ClinVar aggregate classification (germline): Uncertain significance (1 of 4 stars; one submission).

Conditions:
Walker-Warburg congenital muscular dystrophy. Also called: Muscular dystrophy-dystroglycanopathy, type A; Walker-Warburg syndrome. Identifiers: Orphanet 899, MedGen C0265221, MONDO:0000171.

Allele frequency attached by ClinVar (database versions not stated): gnomAD exomes below 0.00001.
gnomAD v4.1: 1 of 1,614,176 alleles (0.000062%); highest among the groups gnomAD compares: Non-Finnish European, 0.000085%; no homozygotes.

Submission:

Labcorp Genetics (formerly Invitae), Labcorp
Classification: Uncertain significance for Walker-Warburg congenital muscular dystrophy. Last evaluated: 2022-01-17. Review status: criteria provided, single submitter. Criteria: Invitae Variant Classification Sherloc (09022015). Collection method: clinical testing. Allele origin: germline.
Comment: In summary, the available evidence is currently insufficient to determine the role of this variant in disease. Therefore, it has been classified as a Variant of Uncertain Significance. Algorithms developed to predict the effect of missense changes on protein structure and function are either unavailable or do not agree on the potential impact of this missense change (SIFT: "Deleterious"; PolyPhen-2: "Possibly Damaging"; Align-GVGD: "Class C15"). This variant has not been reported in the literature in individuals affected with FKTN-related conditions. This variant is present in population databases (no rsID available, gnomAD 0.0009%). This sequence change replaces histidine, which is basic and polar, with aspartic acid, which is acidic and polar, at codon 169 of the FKTN protein (p.His169Asp).

NM_001079802.2(FKTN):c.505C>G (p.His169Asp)

Gene: FKTN (fukutin; plus strand). Cytogenetic location: 9q31.2.
Variant type: single nucleotide variant.
Coding change: c.505C>G on transcript NM_001079802.2 (MANE Select); coding-DNA position 505, C replaced by G.
Protein change: p.His169Asp; replaces histidine 169 with aspartic acid.
Molecular consequence: missense variant. On other transcripts: non-coding transcript variant (2).
Genome position (GRCh38, 1-based): chr9:105,604,350, C>G. VCF-style: chr9-105604350-C-G. GRCh37 (hg19) VCF-style: chr9-108366631-C-G.
Other names: c.505C>G, p.His169Asp (NM_001198963.2, NM_001351496.2, NM_001351498.2 and 1 more transcripts); c.436C>G, p.His146Asp (NM_001351497.2); c.109C>G, p.His37Asp (NM_001351499.2, NM_001351500.2, NM_001351501.2 and 1 more transcripts); short protein forms H169D, H146D, H37D.
Identifiers: ClinVar variation 1421253 (VCV001421253.6), dbSNP rs1243169303, ClinGen allele CA374332136.